The following is an entry in ClinVar:

NM_017802.4(DNAAF5):c.1678C>T (p.Arg560Cys)

Gene: DNAAF5 (dynein axonemal assembly factor 5; plus strand). Cytogenetic location: 7p22.3.
Variant type: single nucleotide variant.
Coding change: c.1678C>T on transcript NM_017802.4 (MANE Select); coding-DNA position 1678, C replaced by T.
Protein change: p.Arg560Cys; replaces arginine 560 with cysteine.
Molecular consequence: missense variant. On other transcripts: non-coding transcript variant (1).
Genome position (GRCh38, 1-based): chr7:763,869, C>T. VCF-style: chr7-763869-C-T. GRCh37 (hg19) VCF-style: chr7-803506-C-T.
Other names: short protein forms R560C.
Identifiers: ClinVar variation 241197 (VCV000241197.43), dbSNP rs73258248, ClinGen allele CA4110813.
Genomic context (GRCh38, chr7:763,869, plus strand): 5'-CAGGAGACGATGGACTCACTGGCCATGGTGGAGGGTGTCAGCAGCTGCCAGGACCTCTAC[C>T]GCAAGCACATTGGTCCCCTCCTGGAGCGGGTGACCGCGTCGCACCTTGACTGGACCGCAC-3'
Protein context (NP_060272.3, residues 550-570): EGVSSCQDLY[Arg560Cys]KHIGPLLERV

ClinVar aggregate classification (germline): Benign/Likely benign. Review status: criteria provided, multiple submitters, no conflicts (2 of 4 stars). 8 submissions from 8 submitters: Benign (3); Likely benign (5). Last evaluated 2026-02-01.

Conditions:
Primary ciliary dyskinesia 18. Also called: CILIARY DYSKINESIA, PRIMARY, 18, WITH OR WITHOUT SITUS INVERSUS. Identifiers: Orphanet 244, MedGen C3543825, MONDO:0013940, OMIM 614874.
Primary ciliary dyskinesia. Also called: Ciliary dyskinesia. Identifiers: Orphanet 244, MedGen C0008780, MONDO:0016575, HP:0012265.

Allele frequency attached by ClinVar (database versions not stated): 1000 Genomes Project 0.00260; 1000 Genomes Project 30x 0.00265; TOPMed 0.00414; ESP Exome Variant Server 0.00415; gnomAD exomes 0.00481; ExAC 0.00485; gnomAD 0.00513 and 0.00535.
gnomAD v4.1: 9,419 of 1,613,374 alleles (0.58%); highest among the groups gnomAD compares: Non-Finnish European, 0.67%; 37 homozygotes.

Submissions (8):

Labcorp Genetics (formerly Invitae), Labcorp
Classification: Benign for Primary ciliary dyskinesia. Last evaluated: 2026-02-01. Review status: criteria provided, single submitter. Criteria: Invitae Variant Classification Sherloc (09022015). Collection method: clinical testing. Allele origin: germline.

Mayo Clinic Laboratories, Mayo Clinic
Classification: Benign. Last evaluated: 2025-09-22. Review status: criteria provided, single submitter. Criteria: ACMG Guidelines, 2015. Collection method: clinical testing. Allele origin: germline. Observed: 2 variant alleles.
Comment: BS1, BS2, BP4_moderate

ARUP Laboratories, Molecular Genetics and Genomics, ARUP Laboratories
Classification: Likely benign for Primary ciliary dyskinesia 18. Last evaluated: 2025-06-12. Review status: criteria provided, single submitter. Criteria: ARUP Molecular Germline Variant Investigation Process 2024. Collection method: clinical testing. Allele origin: germline.

Blueprint Genetics
Classification: Likely benign. Last evaluated: 2024-11-26. Review status: criteria provided, single submitter. Criteria: ACMG Guidelines, 2015. Collection method: clinical testing. Allele origin: germline.

CeGaT Center for Human Genetics Tuebingen
Classification: Likely benign. Last evaluated: 2024-08-01. Review status: criteria provided, single submitter. Criteria: CeGaT Center For Human Genetics Tuebingen Variant Classification Criteria Version 2. Collection method: clinical testing. Allele origin: germline. Affected: yes. Observed: 2 variant alleles.
Comment: DNAAF5: BP4, BS2

Ambry Genetics
Classification: Benign for Primary ciliary dyskinesia. Last evaluated: 2016-05-20. Review status: criteria provided, single submitter. Criteria: Ambry Variant Classification Scheme 2023. Collection method: clinical testing. Allele origin: germline.

Breakthrough Genomics
Classification: Likely benign. Review status: criteria provided, single submitter. Criteria: ACMG Guidelines, 2015. Collection method: not provided. Allele origin: germline. Inheritance: Autosomal recessive inheritance. Affected: yes.

PreventionGenetics, part of Exact Sciences
Classification: Likely benign. Review status: criteria provided, single submitter. Criteria: ACMG Guidelines, 2015. Collection method: clinical testing. Allele origin: germline.